The following is an entry in ClinVar:

ClinVar aggregate classification (germline): Uncertain significance (1 of 4 stars; one submission).

Conditions:
Hereditary cancer-predisposing syndrome. Also called: Neoplastic Syndromes, Hereditary; Tumor predisposition; Hereditary neoplastic syndrome; Hereditary Cancer Syndrome. Identifiers: Orphanet 140162, MedGen C0027672, MeSH D009386, MONDO:0015356.

Submission:

Color Diagnostics, LLC DBA Color Health
Classification: Uncertain significance for Hereditary cancer-predisposing syndrome. Last evaluated: 2023-12-04. Review status: criteria provided, single submitter. Criteria: ACMG Guidelines, 2015. Collection method: clinical testing. Allele origin: germline.
Comment: This missense variant replaces aspartic acid with glycine at codon 1567 of the ATM protein. Computational prediction suggests that this variant may not impact protein structure and function (internally defined REVEL score threshold <= 0.5, PMID: 27666373). To our knowledge, functional studies have not been reported for this variant. This variant has not been reported in individuals affected with ATM-related disorders in the literature. This variant has not been identified in the general population by the Genome Aggregation Database (gnomAD). The available evidence is insufficient to determine the role of this variant in disease conclusively. Therefore, this variant is classified as a Variant of Uncertain Significance.

NM_000051.4(ATM):c.4700A>G (p.Asp1567Gly)

Gene: ATM (ATM serine/threonine kinase; plus strand). Cytogenetic location: 11q22.3.
Variant type: single nucleotide variant.
Coding change: c.4700A>G on transcript NM_000051.4 (MANE Select); coding-DNA position 4700, A replaced by G.
Protein change: p.Asp1567Gly; replaces aspartic acid 1567 with glycine.
Molecular consequence: missense variant.
Genome position (GRCh38, 1-based): chr11:108,293,401, A>G. VCF-style: chr11-108293401-A-G. GRCh37 (hg19) VCF-style: chr11-108164128-A-G.
Other names: c.4700A>G, p.Asp1567Gly (NM_001351834.2); short protein forms D1567G.
Identifiers: ClinVar variation 629163 (VCV000629163.5), dbSNP rs1565463108, ClinGen allele CA382534852.